The following is an entry in ClinVar:

ClinVar aggregate classification (germline): Uncertain significance (0 of 4 stars; one submission).

Conditions:
AMER1-related disorder. Also called: AMER1-related condition.

gnomAD v4.1: 11 of 1,210,025 alleles (0.00091%); highest among the groups gnomAD compares: African/African-American, 0.0035%; no homozygotes.

Submission:

PreventionGenetics, part of Exact Sciences
Classification: Uncertain significance for AMER1-related condition. Last evaluated: 2024-03-09. Review status: no assertion criteria provided. Collection method: clinical testing. Allele origin: germline.
Comment: The AMER1 c.1937G>A variant is predicted to result in the amino acid substitution p.Arg646Gln. To our knowledge, this variant has not been reported in the literature. This variant is reported in 0.0077% of alleles in individuals of African descent in gnomAD. At this time, the clinical significance of this variant is uncertain due to the absence of conclusive functional and genetic evidence.

NM_152424.4(AMER1):c.1937G>A (p.Arg646Gln)

Gene: AMER1 (APC membrane recruitment protein 1; minus strand). Cytogenetic location: Xq11.2.
Variant type: single nucleotide variant.
Coding change: c.1937G>A on transcript NM_152424.4 (MANE Select); coding-DNA position 1937, G replaced by A.
Protein change: p.Arg646Gln; replaces arginine 646 with glutamine.
Molecular consequence: missense variant.
Genome position (GRCh38, 1-based): chrX:64,191,350, C>T on the plus strand (G>A on the coding strand, the complement: AMER1 is on the minus strand). VCF-style: chrX-64191350-C-T. GRCh37 (hg19) VCF-style: chrX-63411230-C-T.
Other names: short protein forms R646Q.
Identifiers: ClinVar variation 3357108 (VCV003357108.1).